The following is an entry in ClinVar:

ClinVar aggregate classification (germline): Conflicting classifications of pathogenicity. Review status: criteria provided, conflicting classifications (1 of 4 stars). 2 submissions from 2 submitters: Pathogenic (1); Uncertain significance (1). Last evaluated 2025-06-22.

Conditions:
Amyotrophic lateral sclerosis type 1 (ALS1). Also called: AMYOTROPHIC LATERAL SCLEROSIS 1, FAMILIAL. Identifiers: Orphanet 803, MedGen C1862939, MONDO:0007103, OMIM 105400.
Perry syndrome. Also called: PARKINSONISM WITH ALVEOLAR HYPOVENTILATION AND MENTAL DEPRESSION. Identifiers: Orphanet 178509, MedGen C1868594, MONDO:0008201, OMIM 168605.
Neuronopathy, distal hereditary motor, type 7B. Also called: Distal Hereditary Motor Neuronopathy Type 7B (dHMN7B); HMN VIIB; LOWER MOTOR NEURON DISEASE, DYNACTIN TYPE; NEURONOPATHY, DISTAL HEREDITARY MOTOR, HARDING TYPE VIIB; NEUROPATHY, DISTAL HEREDITARY MOTOR, HARDING TYPE VIIB; NEUROPATHY, DISTAL HEREDITARY MOTOR, WITH VOCAL CORD PARALYSIS, HARDING TYPE VIIB. Identifiers: Orphanet 139589, MedGen C1843315, MONDO:0011879, OMIM 607641.

Submissions (2):

Labcorp Genetics (formerly Invitae), Labcorp
Classification: Pathogenic for Amyotrophic lateral sclerosis type 1; Neuronopathy, distal hereditary motor, type 7B; Perry syndrome. Last evaluated: 2025-06-22. Review status: criteria provided, single submitter. Criteria: Invitae Variant Classification Sherloc (09022015). Collection method: clinical testing. Allele origin: germline.
Comment: This sequence change replaces glycine, which is neutral and non-polar, with valine, which is neutral and non-polar, at codon 67 of the DCTN1 protein (p.Gly67Val). This variant is not present in population databases (gnomAD no frequency). This missense change has been observed in individual(s) with Perry syndrome (PMID: 37336025). It has also been observed to segregate with disease in related individuals. ClinVar contains an entry for this variant (Variation ID: 1063146). Invitae Evidence Modeling of protein sequence and biophysical properties (such as structural, functional, and spatial information, amino acid conservation, physicochemical variation, residue mobility, and thermodynamic stability) indicates that this missense variant is expected to disrupt DCTN1 protein function with a positive predictive value of 95%. This variant disrupts the p.Gly67 amino acid residue in DCTN1. Other variant(s) that disrupt this residue have been determined to be pathogenic (PMID: 23628468, 24484619, 35325666). This suggests that this residue is clinically significant, and that variants that disrupt this residue are likely to be disease-causing. For these reasons, this variant has been classified as Pathogenic.

GeneDx
Classification: Uncertain significance. Last evaluated: 2023-05-15. Review status: criteria provided, single submitter. Criteria: GeneDx Variant Classification Process June 2021. Collection method: clinical testing. Allele origin: germline. Affected: yes.
Comment: Not observed at significant frequency in large population cohorts (gnomAD); In silico analysis supports that this missense variant has a deleterious effect on protein structure/function; Has not been previously reported in peer-reviewed literature as pathogenic or benign to our knowledge. However, in an abstract by Dulski et al. (2023), this variant has been reported in a patient with clinical features of Perry syndrome.; This variant is associated with the following publications: (PMID: Dulski_2023[Poster])

Literature cited by the submitters: PubMed 37336025 (cited by Labcorp Genetics (formerly Invitae), Labcorp); PubMed 23628468 (cited by Labcorp Genetics (formerly Invitae), Labcorp); PubMed 24484619 (cited by Labcorp Genetics (formerly Invitae), Labcorp); PubMed 35325666 (cited by Labcorp Genetics (formerly Invitae), Labcorp).

NM_004082.5(DCTN1):c.200G>T (p.Gly67Val)

Gene: DCTN1 (dynactin subunit 1; minus strand). Cytogenetic location: 2p13.1.
Variant type: single nucleotide variant.
Coding change: c.200G>T on transcript NM_004082.5 (MANE Select); coding-DNA position 200, G replaced by T.
Protein change: p.Gly67Val; replaces glycine 67 with valine.
Molecular consequence: missense variant. On other transcripts: non-coding transcript variant (1).
Genome position (GRCh38, 1-based): chr2:74,378,079, C>A on the plus strand (G>T on the coding strand, the complement: DCTN1 is on the minus strand). VCF-style: chr2-74378079-C-A. GRCh37 (hg19) VCF-style: chr2-74605206-C-A.
Other names: c.200G>T (NM_004082.4); c.200G>T, p.Gly67Val (NM_001135040.3, NM_001190837.2); c.149G>T, p.Gly50Val (NM_001190836.2, NM_001378991.1, NM_001378992.1); short protein forms G50V, G67V.
Identifiers: ClinVar variation 1063146 (VCV001063146.9), dbSNP rs886039228, ClinGen allele CA347322090.